The following is an entry in ClinVar:

ClinVar aggregate classification (germline): drug response (1 of 4 stars; one submission).

Conditions:
Androgen deprivation therapy response.

Allele frequency attached by ClinVar (database versions not stated): gnomAD exomes 0.24524 and 0.29513; ESP Exome Variant Server 0.25085; 1000 Genomes Project 0.16653; 1000 Genomes Project 30x 0.16849; TOPMed 0.22920; gnomAD 0.23593 and 0.23781; ExAC 0.24459.

Submission:

Desai Sethi Urology Institute, University Of Miami
Classification: drug response for Androgen Deprivation Therapy Response. Last evaluated: 2024-03-01. Review status: criteria provided, single submitter. Criteria: Hearn et al. (Lancet Oncol. 2016). Collection method: clinical testing, research. Allele origin: germline, not applicable. Affected: yes. Functional consequence: effect on protein stability.
Comment: More rapid development of castration-resistant prostate cancer has now been shown in at least 10 cohorts (Hearn, et al. Lancet Oncol. 2016 (PMID:27575027); Hearn, et al. JAMA Oncol. 2018 (PMID:29049492); Agarwal, et al. JAMA Oncol. 2017 (PMID:28208175)) and has shown to result in higher prostate cancer specific mortality rates in a cohort of over 5,000 patients (McKay, et al. JAMA Netw Open. 2024 (PMID:38506808)).

Literature cited by the submitters: PubMed 23993097; PubMed 28208175; PubMed 29049452; PubMed 29049492; PubMed 38506808.

NM_000862.3(HSD3B1):c.1100= (p.Thr367=)

Gene: HSD3B1 (hydroxy-delta-5-steroid dehydrogenase, 3 beta- and steroid delta-isomerase 1; plus strand). Cytogenetic location: 1p12.
Variant type: single nucleotide variant.
Coding change: c.1100= on transcript NM_000862.3 (MANE Select); coding-DNA position 1100, no change from the reference sequence.
Protein change: p.Thr367=; no amino-acid change (threonine 367 retained).
Molecular consequence: no sequence alteration.
Genome position: GRCh38 VCF-style: chr1-119514623-C-C. GRCh37 (hg19) VCF-style: chr1-120057246-C-C.
Other names: c.1100=, p.Thr367= (NM_001328615.1).
Identifiers: ClinVar variation 620577 (VCV000620577.3), dbSNP rs1047303.